The following is an entry in ClinVar:

NM_016366.3(CABP2):c.274C>T (p.Arg92Ter)

Gene: CABP2 (calcium binding protein 2; minus strand). Cytogenetic location: 11q13.2.
Variant type: single nucleotide variant.
Coding change: c.274C>T on transcript NM_016366.3 (MANE Select); coding-DNA position 274, C replaced by T.
Protein change: p.Arg92Ter; replaces arginine 92 with a stop codon.
Molecular consequence: nonsense.
Genome position (GRCh38, 1-based): chr11:67,521,130, G>A on the plus strand (C>T on the coding strand, the complement: CABP2 is on the minus strand). VCF-style: chr11-67521130-G-A. GRCh37 (hg19) VCF-style: chr11-67288601-G-A.
Other names: c.292C>T, p.Arg98Ter (NM_001318496.2); short protein forms R92*, R98*.
Identifiers: ClinVar variation 3340148 (VCV003340148.1).
Genomic context (GRCh38, chr11:67,521,130, plus strand): 5'-AGCCCAGGGTCCGCATGCAGGCACCCAGCTCCCGGCAGCCAATGTAGCCGTCCCGGTCTC[G>A]GTCAAACTCCTGGAAGGCGACCTGCAGCTCTGCCAGGCAGGGTGGGGTCAGTCCTTCCCC-3'

ClinVar aggregate classification (germline): Pathogenic (1 of 4 stars; one submission).

Conditions:
Hearing loss, autosomal recessive. Also called: Deafness, autosomal recessive; Autosomal recessive nonsyndromic deafness; Rare autosomal recessive non-syndromic sensorineural deafness type DFNB; Nonsyndromic Hearing Loss, Recessive. Identifiers: Orphanet 90635, Orphanet 90636, MedGen C1846647, MONDO:0019588, OMIM 607197.

Submission:

Laboratory of Human Genetics, Universidade de São Paulo
Classification: Pathogenic for Hearing loss, autosomal recessive. Last evaluated: 2024-05-01. Review status: criteria provided, single submitter. Criteria: ClinGen HL ACMG Specifications v1. Collection method: research. Allele origin: biparental. Affected: yes. Observed: 1 variant allele.
Comment: The CABP2 NM_001318496.2:c.292C>T is a null variant in a gene where loss of function is a known mechanism of disease (PVS1), has extremely low frequency in gnomAD population databases, For recessive disorders, detected in trans with a pathogenic variant, or in a homozygous or compound heterozygous state in affected cases (PM3).